The following is an entry in ClinVar:

ClinVar aggregate classification (germline): Uncertain significance. Review status: criteria provided, multiple submitters, no conflicts (2 of 4 stars). 2 submissions from 2 submitters: Uncertain significance (2). Last evaluated 2025-03-31.

Conditions:
Inborn genetic diseases. Identifiers: MedGen C0950123, MeSH D030342.
Atrial fibrillation, familial, 7 (ATFB7). Identifiers: MedGen C2677106, MONDO:0012828, OMIM 612240.

Allele frequency attached by ClinVar (database versions not stated): 1000 Genomes Project 30x 0.00016; 1000 Genomes Project 0.00020.

Submissions (2):

Ambry Genetics
Classification: Uncertain significance for Inborn genetic diseases. Last evaluated: 2025-03-31. Review status: criteria provided, single submitter. Criteria: Ambry Variant Classification Scheme 2023. Collection method: clinical testing. Allele origin: germline.

Labcorp Genetics (formerly Invitae), Labcorp
Classification: Uncertain significance for Atrial fibrillation, familial, 7. Last evaluated: 2024-05-02. Review status: criteria provided, single submitter. Criteria: Invitae Variant Classification Sherloc (09022015). Collection method: clinical testing. Allele origin: germline.
Comment: This sequence change replaces valine, which is neutral and non-polar, with leucine, which is neutral and non-polar, at codon 341 of the KCNA5 protein (p.Val341Leu). This variant is present in population databases (rs370821881, gnomAD 0.007%). This variant has not been reported in the literature in individuals affected with KCNA5-related conditions. ClinVar contains an entry for this variant (Variation ID: 1400521). Advanced modeling of protein sequence and biophysical properties (such as structural, functional, and spatial information, amino acid conservation, physicochemical variation, residue mobility, and thermodynamic stability) performed at Invitae indicates that this missense variant is not expected to disrupt KCNA5 protein function with a negative predictive value of 80%. In summary, the available evidence is currently insufficient to determine the role of this variant in disease. Therefore, it has been classified as a Variant of Uncertain Significance.

NM_002234.4(KCNA5):c.1021G>C (p.Val341Leu)

Gene: KCNA5 (potassium voltage-gated channel subfamily A member 5; plus strand). Cytogenetic location: 12p13.32.
Variant type: single nucleotide variant.
Coding change: c.1021G>C on transcript NM_002234.4 (MANE Select); coding-DNA position 1021, G replaced by C.
Protein change: p.Val341Leu; replaces valine 341 with leucine.
Molecular consequence: missense variant.
Genome position (GRCh38, 1-based): chr12:5,045,168, G>C. VCF-style: chr12-5045168-G-C. GRCh37 (hg19) VCF-style: chr12-5154334-G-C.
Other names: c.1021G>C (NM_002234.2); short protein forms V341L.
Identifiers: ClinVar variation 1400521 (VCV001400521.7), dbSNP rs370821881, ClinGen allele CA6399788.